The following is an entry in ClinVar:

ClinVar aggregate classification (germline): Uncertain significance (1 of 4 stars; one submission).

Conditions:
Familial hemophagocytic lymphohistiocytosis 3 (FHL3). Also called: UNC13D-Related Familial Hemophagocytic Lymphohistiocytosis (UNC13D-fHLH). Identifiers: Orphanet 540, MedGen C1837174, MONDO:0012146, OMIM 608898.

Allele frequency attached by ClinVar (database versions not stated): gnomAD 0.00005 and 0.00004; gnomAD exomes 0.00006 and 0.00003; TOPMed 0.00006; ExAC 0.00009; 1000 Genomes Project 0.00020; 1000 Genomes Project 30x 0.00031.
gnomAD v4.1: 51 of 1,586,652 alleles (0.0032%); highest among the groups gnomAD compares: Admixed American, 0.022%; no homozygotes.

Submission:

Labcorp Genetics (formerly Invitae), Labcorp
Classification: Uncertain significance for Familial hemophagocytic lymphohistiocytosis 3. Last evaluated: 2025-01-13. Review status: criteria provided, single submitter. Criteria: Invitae Variant Classification Sherloc (09022015). Collection method: clinical testing. Allele origin: germline.
Comment: This sequence change replaces serine, which is neutral and polar, with cysteine, which is neutral and slightly polar, at codon 923 of the UNC13D protein (p.Ser923Cys). This variant is present in population databases (rs200441303, gnomAD 0.03%). This missense change has been observed in individual(s) with a complex lymphoproliferative phenotype (PMID: 24043286). ClinVar contains an entry for this variant (Variation ID: 1480498). Invitae Evidence Modeling of protein sequence and biophysical properties (such as structural, functional, and spatial information, amino acid conservation, physicochemical variation, residue mobility, and thermodynamic stability) has been performed for this missense variant. However, the output from this modeling did not meet the statistical confidence thresholds required to predict the impact of this variant on UNC13D protein function. Experimental studies have shown that this missense change affects UNC13D function (PMID: 24043286). In summary, the available evidence is currently insufficient to determine the role of this variant in disease. Therefore, it has been classified as a Variant of Uncertain Significance.

Literature cited by the submitters: PubMed 24043286.

NM_199242.3(UNC13D):c.2768C>G (p.Ser923Cys)

Genes: UNC13D (unc-13 homolog D; minus strand), LOC112533672 (Sharpr-MPRA regulatory region 1193; plus strand). Cytogenetic location: 17q25.1.
Variant type: single nucleotide variant.
Coding change: c.2768C>G on transcript NM_199242.3 (MANE Select); coding-DNA position 2768, C replaced by G.
Protein change: p.Ser923Cys; replaces serine 923 with cysteine.
Molecular consequence: missense variant.
Genome position (GRCh38, 1-based): chr17:75,830,424, G>C on the plus strand (C>G on the coding strand, the complement: UNC13D is on the minus strand). VCF-style: chr17-75830424-G-C. GRCh37 (hg19) VCF-style: chr17-73826505-G-C.
Other names: short protein forms S923C.
Identifiers: ClinVar variation 1480498 (VCV001480498.4), dbSNP rs200441303, ClinGen allele CA8772395.